The following is an entry in ClinVar:

NM_004104.5(FASN):c.371C>G (p.Pro124Arg)

Gene: FASN (fatty acid synthase; minus strand). Cytogenetic location: 17q25.3.
Variant type: single nucleotide variant.
Coding change: c.371C>G on transcript NM_004104.5 (MANE Select); coding-DNA position 371, C replaced by G.
Protein change: p.Pro124Arg; replaces proline 124 with arginine.
Molecular consequence: missense variant.
Genome position (GRCh38, 1-based): chr17:82,093,681, G>C on the plus strand (C>G on the coding strand, the complement: FASN is on the minus strand). VCF-style: chr17-82093681-G-C. GRCh37 (hg19) VCF-style: chr17-80051557-G-C.
Other names: short protein forms P124R.
Identifiers: ClinVar variation 1998512 (VCV001998512.4), dbSNP rs2509846346, ClinGen allele CA401565143.
Genomic context (GRCh38, chr17:82,093,681, plus strand): 5'-AGCCGGTTGGCCATCATCGCTCGCTGGCAGCCCACCATGCTGTAGCCCACGAGTGTCTCG[G>C]GGTCTCGGCTCAGGGCCTCCGAGGTCTCAGAGCCGCTCACGCCCACCCAGACGCCAGTGT-3'
Protein context (NP_004095.4, residues 114-134): SETSEALSRD[Pro124Arg]ETLVGYSMVG

ClinVar aggregate classification (germline): Uncertain significance (1 of 4 stars; one submission).

Conditions:
Epileptic encephalopathy. Identifiers: MedGen C0543888, HP:0200134.

Submission:

Labcorp Genetics (formerly Invitae), Labcorp
Classification: Uncertain significance for Epileptic encephalopathy. Last evaluated: 2022-05-25. Review status: criteria provided, single submitter. Criteria: Invitae Variant Classification Sherloc (09022015). Collection method: clinical testing. Allele origin: germline.
Comment: In summary, the available evidence is currently insufficient to determine the role of this variant in disease. Therefore, it has been classified as a Variant of Uncertain Significance. Algorithms developed to predict the effect of missense changes on protein structure and function are either unavailable or do not agree on the potential impact of this missense change (SIFT: "Deleterious"; PolyPhen-2: "Probably Damaging"; Align-GVGD: "Class C0"). This variant has not been reported in the literature in individuals affected with FASN-related conditions. This variant is not present in population databases (gnomAD no frequency). This sequence change replaces proline, which is neutral and non-polar, with arginine, which is basic and polar, at codon 124 of the FASN protein (p.Pro124Arg).